The following is an entry in ClinVar:

ClinVar aggregate classification (germline): Benign (1 of 4 stars; one submission).

Allele frequency attached by ClinVar (database versions not stated): TOPMed 0.22347; 1000 Genomes Project 0.23063; gnomAD 0.23149 and 0.23406; 1000 Genomes Project 30x 0.23204.
gnomAD v4.1: 35,302 of 151,194 alleles (23%); highest among the groups gnomAD compares: Middle Eastern, 35%; 4,339 homozygotes.

Submission:

GeneDx
Classification: Benign. Last evaluated: 2018-06-14. Review status: criteria provided, single submitter. Criteria: GeneDx Variant Classification (06012015). Collection method: clinical testing. Allele origin: germline. Affected: yes.
Comment: This variant is considered likely benign or benign based on one or more of the following criteria: it is a conservative change, it occurs at a poorly conserved position in the protein, it is predicted to be benign by multiple in silico algorithms, and/or has population frequency not consistent with disease.

NM_020297.4(ABCC9):c.3567-287T>C

Gene: ABCC9 (ATP binding cassette subfamily C member 9; minus strand). Cytogenetic location: 12p12.1.
Variant type: single nucleotide variant.
Coding change: c.3567-287T>C on transcript NM_020297.4 (MANE Select); 287 bases into the intron before coding-DNA position 3567, T replaced by C.
Molecular consequence: intron variant.
Genome position (GRCh38, 1-based): chr12:21,829,347, A>G on the plus strand (T>C on the coding strand, the complement: ABCC9 is on the minus strand). VCF-style: chr12-21829347-A-G. GRCh37 (hg19) VCF-style: chr12-21982281-A-G.
Other names: c.2700-287T>C (NM_001377274.1); c.3567-287T>C (NM_005691.4, NM_001377273.1).
Identifiers: ClinVar variation 681194 (VCV000681194.1), dbSNP rs1283812, ClinGen allele CA233625131.